The following is an entry in ClinVar:

ClinVar aggregate classification (germline): Uncertain significance. Review status: criteria provided, multiple submitters, no conflicts (2 of 4 stars). 3 submissions from 3 submitters: Uncertain significance (3). Last evaluated 2026-03-10.

Conditions:
SLC24A1-related disorder. Also called: SLC24A1-related condition.
Congenital stationary night blindness 1D. Also called: Night blindness, congenital stationary (complete), 1D, autosomal recessive. Identifiers: Orphanet 215, MedGen C3151193, MONDO:0013450, OMIM 613830.

Allele frequency attached by ClinVar (database versions not stated): gnomAD 0.00006; gnomAD exomes 0.00006 and 0.00008; ExAC 0.00007; TOPMed 0.00009.

Submissions (3):

PreventionGenetics, part of Exact Sciences
Classification: Uncertain significance for SLC24A1-related condition. Last evaluated: 2026-03-10. Review status: criteria provided, single submitter. Criteria: ACMG Guidelines, 2015. Collection method: clinical testing. Allele origin: germline.
Comment: The SLC24A1 c.76C>T variant is predicted to result in the amino acid substitution p.Leu26Phe. This variant was reported in a large cohort of individuals being tested for inherited retinal dystrophy (supplementary data, Mihalich et al. 2024. PubMed ID: 38927702). This variant is reported in 0.011% of alleles in individuals of European (Non-Finnish) descent in gnomAD. At this time, the clinical significance of this variant is uncertain due to the absence of conclusive functional and genetic evidence.

Labcorp Genetics (formerly Invitae), Labcorp
Classification: Uncertain significance. Last evaluated: 2022-09-12. Review status: criteria provided, single submitter. Criteria: Invitae Variant Classification Sherloc (09022015). Collection method: clinical testing. Allele origin: germline.
Comment: This sequence change replaces leucine, which is neutral and non-polar, with phenylalanine, which is neutral and non-polar, at codon 26 of the SLC24A1 protein (p.Leu26Phe). This variant is present in population databases (rs755508009, gnomAD 0.009%). This variant has not been reported in the literature in individuals affected with SLC24A1-related conditions. ClinVar contains an entry for this variant (Variation ID: 316787). Algorithms developed to predict the effect of missense changes on protein structure and function output the following: SIFT: "Tolerated"; PolyPhen-2: "Possibly Damaging"; Align-GVGD: "Class C0". The phenylalanine amino acid residue is found in multiple mammalian species, which suggests that this missense change does not adversely affect protein function. In summary, the available evidence is currently insufficient to determine the role of this variant in disease. Therefore, it has been classified as a Variant of Uncertain Significance.

Illumina Laboratory Services, Illumina
Classification: Uncertain significance for Congenital stationary night blindness 1D. Last evaluated: 2018-01-12. Review status: criteria provided, single submitter. Criteria: ICSL Variant Classification Criteria 13 December 2019. Collection method: clinical testing. Allele origin: germline.

NM_004727.3(SLC24A1):c.76C>T (p.Leu26Phe)

Gene: SLC24A1 (solute carrier family 24 member 1; plus strand). Cytogenetic location: 15q22.31.
Variant type: single nucleotide variant.
Coding change: c.76C>T on transcript NM_004727.3 (MANE Select); coding-DNA position 76, C replaced by T.
Protein change: p.Leu26Phe; replaces leucine 26 with phenylalanine.
Molecular consequence: missense variant.
Genome position (GRCh38, 1-based): chr15:65,624,156, C>T. VCF-style: chr15-65624156-C-T. GRCh37 (hg19) VCF-style: chr15-65916494-C-T.
Other names: c.76C>T, p.Leu26Phe (NM_001301031.1, NM_001301032.1, NM_001301033.2); short protein forms L26F.
Identifiers: ClinVar variation 316787 (VCV000316787.12), dbSNP rs755508009, ClinGen allele CA7619691.